The following is an entry in ClinVar:

NM_005188.4(CBL):c.839G>A (p.Arg280Gln)

Gene: CBL (Cbl proto-oncogene; plus strand). Cytogenetic location: 11q23.3.
Variant type: single nucleotide variant.
Coding change: c.839G>A on transcript NM_005188.4 (MANE Select); coding-DNA position 839, G replaced by A.
Protein change: p.Arg280Gln; replaces arginine 280 with glutamine.
Molecular consequence: missense variant.
Genome position (GRCh38, 1-based): chr11:119,274,923, G>A. VCF-style: chr11-119274923-G-A. GRCh37 (hg19) VCF-style: chr11-119145633-G-A.
Other names: short protein forms R280Q.
Identifiers: ClinVar variation 279922 (VCV000279922.14), dbSNP rs145155035, ClinGen allele CA6318350.

ClinVar aggregate classification (germline): Conflicting classifications of pathogenicity. Review status: criteria provided, conflicting classifications (1 of 4 stars). 4 submissions from 4 submitters: Uncertain significance (2); Benign (1); Likely benign (1). Last evaluated 2026-01-26.

Conditions:
CBL-related disorder. Also called: NOONAN SYNDROME-LIKE DISORDER WITHOUT JUVENILE MYELOMONOCYTIC LEUKEMIA; CBL MUTATION-ASSOCIATED SYNDROME; CBL SYNDROME. Identifiers: Orphanet 363972, MedGen C3150803, MONDO:0013308, OMIM 613563.
RASopathy. Also called: rasopathies; Noonan spectrum disorder. Identifiers: Orphanet 536391, MedGen C5555857, MONDO:0021060.

Allele frequency attached by ClinVar (database versions not stated): gnomAD 0.00001; gnomAD exomes 0.00001 and 0.00002; TOPMed 0.00002; ExAC 0.00003; ESP Exome Variant Server 0.00008.
gnomAD v4.1: 18 of 1,613,874 alleles (0.0011%); highest among the groups gnomAD compares: East Asian, 0.011%; no homozygotes.

Submissions (4):

Labcorp Genetics (formerly Invitae), Labcorp
Classification: Uncertain significance for RASopathy. Last evaluated: 2026-01-26. Review status: criteria provided, single submitter. Criteria: Invitae Variant Classification Sherloc (09022015). Collection method: clinical testing. Allele origin: germline.
Comment: This sequence change replaces arginine, which is basic and polar, with glutamine, which is neutral and polar, at codon 280 of the CBL protein (p.Arg280Gln). This variant is present in population databases (rs145155035, gnomAD 0.01%). This variant has not been reported in the literature in individuals affected with CBL-related conditions. ClinVar contains an entry for this variant (Variation ID: 279922). Invitae Evidence Modeling of protein sequence and biophysical properties (such as structural, functional, and spatial information, amino acid conservation, physicochemical variation, residue mobility, and thermodynamic stability) indicates that this missense variant is expected to disrupt CBL protein function with a positive predictive value of 95%. In summary, the available evidence is currently insufficient to determine the role of this variant in disease. Therefore, it has been classified as a Variant of Uncertain Significance.

Blueprint Genetics
Classification: Likely benign. Last evaluated: 2023-06-26. Review status: criteria provided, single submitter. Criteria: ACMG Guidelines, 2015. Collection method: clinical testing. Allele origin: germline.

Illumina Laboratory Services, Illumina
Classification: Benign for CBL-related disorder. Last evaluated: 2018-01-12. Review status: criteria provided, single submitter. Criteria: ICSL Variant Classification Criteria 13 December 2019. Collection method: clinical testing. Allele origin: germline.
Comment: This variant was observed in the ICSL laboratory as part of a predisposition screen in an ostensibly healthy population. It had not been previously curated by ICSL or reported in the Human Gene Mutation Database (HGMD: prior to June 1st, 2018), and was therefore a candidate for classification through an automated scoring system. Utilizing variant allele frequency, disease prevalence and penetrance estimates, and inheritance mode, an automated score was calculated to assess if this variant is too frequent to cause the disease. Based on the score and internal cut-off values, a variant classified as benign is not then subjected to further curation. The score for this variant resulted in a classification of benign for this disease.

GeneDx
Classification: Uncertain significance. Last evaluated: 2016-10-10. Review status: criteria provided, single submitter. Criteria: GeneDx Variant Classification (06012015). Collection method: clinical testing. Allele origin: germline. Affected: yes.
Comment: The R280Q variant has not been published as a pathogenic variant, nor has it been reported as a benign variant to our knowledge. The R280Q variant was not observed at a significant frequency in approximately 6,500 individuals of European and African American ancestry in the NHLBI Exome Sequencing Project. The R280Q variant is a semi-conservative amino acid substitution, which may impact secondary protein structure as these residues differ in some properties. This substitution occurs at a position that is conserved across species within the SH2-like region of the protein. In silico analysis predicts this variant is probably damaging to the protein structure/function. Another missense variant of uncertain significance (R280W) has been observed at GeneDx in this residue. Based on the currently available information, it is unclear whether this variant is a pathogenic variant or a rare benign variant.